The following is an entry in ClinVar:

ClinVar aggregate classification (germline): Uncertain significance (1 of 4 stars; one submission).

Conditions:
Hereditary cancer-predisposing syndrome. Also called: Neoplastic Syndromes, Hereditary; Tumor predisposition; Hereditary Cancer Syndrome; Hereditary neoplastic syndrome. Identifiers: Orphanet 140162, MedGen C0027672, MeSH D009386, MONDO:0015356.

gnomAD v4.1: 3 of 1,610,712 alleles (0.00019%); highest among the groups gnomAD compares: South Asian, 0.0033%; no homozygotes.

Submission:

Ambry Genetics
Classification: Uncertain significance for Hereditary cancer-predisposing syndrome. Last evaluated: 2024-10-03. Review status: criteria provided, single submitter. Criteria: Ambry Variant Classification Scheme 2023. Collection method: clinical testing. Allele origin: germline.
Comment: The p.V68I variant (also known as c.202G>A), located in coding exon 1 of the TMEM127 gene, results from a G to A substitution at nucleotide position 202. The valine at codon 68 is replaced by isoleucine, an amino acid with highly similar properties. This amino acid position is highly conserved in available vertebrate species. In addition, this alteration is predicted to be tolerated by in silico analysis. Based on the available evidence, the clinical significance of this variant remains unclear.

NM_017849.4(TMEM127):c.202G>A (p.Val68Ile)

Gene: TMEM127 (transmembrane protein 127; minus strand). Cytogenetic location: 2q11.2.
Variant type: single nucleotide variant.
Coding change: c.202G>A on transcript NM_017849.4 (MANE Select); coding-DNA position 202, G replaced by A.
Protein change: p.Val68Ile; replaces valine 68 with isoleucine.
Molecular consequence: missense variant.
Genome position (GRCh38, 1-based): chr2:96,265,180, C>T on the plus strand (G>A on the coding strand, the complement: TMEM127 is on the minus strand). VCF-style: chr2-96265180-C-T. GRCh37 (hg19) VCF-style: chr2-96930918-C-T.
Other names: c.202G>A, p.Val68Ile (NM_001193304.3); short protein forms V68I.
Identifiers: ClinVar variation 1784738 (VCV001784738.3), dbSNP rs1684388690, ClinGen allele CA347655908.
Genomic context (GRCh38, chr2:96,265,180, plus strand): 5'-AGCGCGCAGCACCCTCACCTTTCAGCAGGTCCGGGTGCACATAGCCCAACACGTCGGAGA[C>T]CCCCAGCTCCTGGCGCGAACAGGTGCCTCCGTGGATGTGCAACCAGGCGGGCTCGGCGAG-3'
Protein context (NP_060319.1, residues 58-78): GGTCSRQELG[Val68Ile]SDVLGYVHPD